The following is an entry in ClinVar:

ClinVar aggregate classification (germline): Uncertain significance (1 of 4 stars; one submission).

Submission:

Labcorp Genetics (formerly Invitae), Labcorp
Classification: Uncertain significance. Last evaluated: 2020-09-09. Review status: criteria provided, single submitter. Criteria: Invitae Variant Classification Sherloc (09022015). Collection method: clinical testing. Allele origin: germline.
Comment: This sequence change replaces isoleucine with leucine at codon 43 of the APRT protein (p.Ile43Leu). The isoleucine residue is moderately conserved and there is a small physicochemical difference between isoleucine and leucine. This variant is not present in population databases (ExAC no frequency). This variant has not been reported in the literature in individuals with APRT-related conditions. Algorithms developed to predict the effect of missense changes on protein structure and function are either unavailable or do not agree on the potential impact of this missense change (SIFT: "Tolerated"; PolyPhen-2: "Possibly Damaging"; Align-GVGD: "Class C0"). In summary, the available evidence is currently insufficient to determine the role of this variant in disease. Therefore, it has been classified as a Variant of Uncertain Significance.

NM_000485.3(APRT):c.127A>C (p.Ile43Leu)

Gene: APRT (adenine phosphoribosyltransferase; minus strand). Cytogenetic location: 16q24.3.
Variant type: single nucleotide variant.
Coding change: c.127A>C on transcript NM_000485.3 (MANE Select); coding-DNA position 127, A replaced by C.
Protein change: p.Ile43Leu; replaces isoleucine 43 with leucine.
Molecular consequence: missense variant.
Genome position (GRCh38, 1-based): chr16:88,811,610, T>G on the plus strand (A>C on the coding strand, the complement: APRT is on the minus strand). VCF-style: chr16-88811610-T-G. GRCh37 (hg19) VCF-style: chr16-88878018-T-G.
Other names: c.127A>C, p.Ile43Leu (NM_001030018.2); short protein forms I43L.
Identifiers: ClinVar variation 1061584 (VCV001061584.7), dbSNP rs2142954409, ClinGen allele CA397090289.